The following is an entry in ClinVar:

ClinVar aggregate classification (germline): Uncertain significance (1 of 4 stars; one submission).

Conditions:
Hereditary sensory neuropathy-deafness-dementia syndrome. Also called: Hereditary sensory neuropathy type IE; NEUROPATHY, HEREDITARY SENSORY, WITH HEARING LOSS AND DEMENTIA; HSN IE; Hereditary Sensory and Autonomic Neuropathy Type 1E (HSAN1E). Identifiers: Orphanet 456318, MedGen C3279885, MONDO:0013584, OMIM 614116.

Allele frequency attached by ClinVar (database versions not stated): gnomAD 0.00001.
gnomAD v4.1: 1 of 1,611,322 alleles (0.000062%); highest among the groups gnomAD compares: Non-Finnish European, 0.000085%; no homozygotes.

Submission:

Labcorp Genetics (formerly Invitae), Labcorp
Classification: Uncertain significance for Hereditary sensory neuropathy-deafness-dementia syndrome. Last evaluated: 2022-06-20. Review status: criteria provided, single submitter. Criteria: Invitae Variant Classification Sherloc (09022015). Collection method: clinical testing. Allele origin: germline.
Comment: This sequence change replaces isoleucine, which is neutral and non-polar, with threonine, which is neutral and polar, at codon 183 of the DNMT1 protein (p.Ile183Thr). This variant is not present in population databases (gnomAD no frequency). In summary, the available evidence is currently insufficient to determine the role of this variant in disease. Therefore, it has been classified as a Variant of Uncertain Significance. Algorithms developed to predict the effect of missense changes on protein structure and function are either unavailable or do not agree on the potential impact of this missense change (SIFT: "Deleterious"; PolyPhen-2: "Possibly Damaging"; Align-GVGD: "Class C0"). ClinVar contains an entry for this variant (Variation ID: 954074). This variant has not been reported in the literature in individuals affected with DNMT1-related conditions.

NM_001130823.3(DNMT1):c.548T>C (p.Ile183Thr)

Gene: DNMT1 (DNA methyltransferase 1; minus strand). Cytogenetic location: 19p13.2.
Variant type: single nucleotide variant.
Coding change: c.548T>C on transcript NM_001130823.3 (MANE Select); coding-DNA position 548, T replaced by C.
Protein change: p.Ile183Thr; replaces isoleucine 183 with threonine.
Molecular consequence: missense variant.
Genome position (GRCh38, 1-based): chr19:10,177,313, A>G on the plus strand (T>C on the coding strand, the complement: DNMT1 is on the minus strand). VCF-style: chr19-10177313-A-G. GRCh37 (hg19) VCF-style: chr19-10287989-A-G.
Other names: c.500T>C, p.Ile167Thr (NM_001318730.2, NM_001379.4); c.185T>C, p.Ile62Thr (NM_001318731.2); short protein forms I62T, I167T, I183T.
Identifiers: ClinVar variation 954074 (VCV000954074.9), dbSNP rs2038955301, ClinGen allele CA403944940.
Genomic context (GRCh38, chr19:10,177,313, plus strand): 5'-CCCCTAAAAAAGGCAGCCGCCAATTTATCGTATACTGACCCCTTTGCAAAATGAGATGTG[A>G]TGGTGGTTTGCCTGGTGCTTTTCCTTGTAATCCTGGGGCTAGGTGAAGGTTCAGCTGTTT-3'
Protein context (NP_001124295.1, residues 173-193): ITRKSTRQTT[Ile183Thr]TSHFAKGPAK